The following is an entry in ClinVar:

ClinVar aggregate classification (germline): Pathogenic. Review status: criteria provided, multiple submitters, no conflicts (2 of 4 stars). 2 submissions from 2 submitters: Pathogenic (2). Last evaluated 2022-05-14.

Conditions:
Hereditary spastic paraplegia 4. Also called: Spastic Paraplegia 4; Familial spastic paraplegia autosomal dominant 2; Spastic paraplegia 4, autosomal dominant. Identifiers: Orphanet 100985, MedGen C1866855, MONDO:0008438, OMIM 182601.

Submissions (2):

Labcorp Genetics (formerly Invitae), Labcorp
Classification: Pathogenic for Hereditary spastic paraplegia 4. Last evaluated: 2022-05-14. Review status: criteria provided, single submitter. Criteria: Invitae Variant Classification Sherloc (09022015). Collection method: clinical testing. Allele origin: germline.
Comment: For these reasons, this variant has been classified as Pathogenic. ClinVar contains an entry for this variant (Variation ID: 448448). This variant has not been reported in the literature in individuals affected with SPAST-related conditions. This variant is not present in population databases (gnomAD no frequency). This sequence change creates a premature translational stop signal (p.Leu534Glnfs*7) in the SPAST gene. It is expected to result in an absent or disrupted protein product. Loss-of-function variants in SPAST are known to be pathogenic (PMID: 20932283).

Athena Diagnostics
Classification: Pathogenic. Last evaluated: 2017-05-19. Review status: criteria provided, single submitter. Criteria: Athena Diagnostics Criteria. Collection method: clinical testing. Allele origin: germline.

Literature cited by the submitters: PubMed 20932283 (cited by Labcorp Genetics (formerly Invitae), Labcorp).

NM_014946.4(SPAST):c.1601del (p.Leu534fs)

Gene: SPAST (spastin; plus strand). Cytogenetic location: 2p22.3.
Variant type: Deletion.
Coding change: c.1601del on transcript NM_014946.4 (MANE Select); coding-DNA position 1601, one base deleted (T; older notation c.1601delT).
Protein change: p.Leu534fs; shifts the reading frame from leucine 534.
Molecular consequence: frameshift variant.
Genome position (GRCh38, 1-based): chr2:32,143,400, T deleted. VCF-style (leftmost placement, unchanged base first): chr2-32143399-CT-C. GRCh37 (hg19) VCF-style: chr2-32368468-CT-C.
Other names: c.1598del, p.Leu533fs (NM_001363823.2); c.1502del, p.Leu501fs (NM_001363875.2); c.1505del, p.Leu502fs (NM_001377959.1, NM_199436.2); short protein forms L501fs, L502fs, L533fs, L534fs.
Identifiers: ClinVar variation 448448 (VCV000448448.5), dbSNP rs1553319318, ClinGen allele CA658657028.